The following is an entry in ClinVar:

ClinVar aggregate classification (germline): Uncertain significance. Review status: criteria provided, multiple submitters, no conflicts (2 of 4 stars). 2 submissions from 2 submitters: Uncertain significance (2). Last evaluated 2023-12-15.

Submissions (2):

GeneDx
Classification: Uncertain significance. Last evaluated: 2023-12-15. Review status: criteria provided, single submitter. Criteria: GeneDx Variant Classification Process June 2021. Collection method: clinical testing. Allele origin: germline. Affected: yes.
Comment: Not observed at significant frequency in large population cohorts (gnomAD); In silico analysis supports that this missense variant has a deleterious effect on protein structure/function; Has not been previously published as pathogenic or benign to our knowledge

Labcorp Genetics (formerly Invitae), Labcorp
Classification: Uncertain significance. Last evaluated: 2022-12-07. Review status: criteria provided, single submitter. Criteria: Invitae Variant Classification Sherloc (09022015). Collection method: clinical testing. Allele origin: germline.
Comment: In summary, the available evidence is currently insufficient to determine the role of this variant in disease. Therefore, it has been classified as a Variant of Uncertain Significance. Algorithms developed to predict the effect of missense changes on protein structure and function are either unavailable or do not agree on the potential impact of this missense change (SIFT: "Deleterious"; PolyPhen-2: "Probably Damaging"; Align-GVGD: "Class C0"). This variant has not been reported in the literature in individuals affected with FBXO11-related conditions. This variant is not present in population databases (gnomAD no frequency). This sequence change replaces histidine, which is basic and polar, with arginine, which is basic and polar, at codon 475 of the FBXO11 protein (p.His475Arg).

NM_001190274.2(FBXO11):c.1424A>G (p.His475Arg)

Gene: FBXO11 (F-box protein 11; minus strand). Cytogenetic location: 2p16.3.
Variant type: single nucleotide variant.
Coding change: c.1424A>G on transcript NM_001190274.2 (MANE Select); coding-DNA position 1424, A replaced by G.
Protein change: p.His475Arg; replaces histidine 475 with arginine.
Molecular consequence: missense variant.
Genome position (GRCh38, 1-based): chr2:47,823,335, T>C on the plus strand (A>G on the coding strand, the complement: FBXO11 is on the minus strand). VCF-style: chr2-47823335-T-C. GRCh37 (hg19) VCF-style: chr2-48050474-T-C.
Other names: c.1172A>G, p.His391Arg (NM_001374325.1, NM_025133.4); c.1424A>G (NM_001190274.1); short protein forms H475R, H391R.
Identifiers: ClinVar variation 2819109 (VCV002819109.4), dbSNP rs2531101786, ClinGen allele CA346765085.